The following is an entry in ClinVar:

NM_001144074.3(DET1):c.1221G>A (p.Gln407=)

Gene: DET1 (DET1 partner of COP1 E3 ubiquitin ligase; minus strand). Cytogenetic location: 15q26.1.
Variant type: single nucleotide variant.
Coding change: c.1221G>A on transcript NM_001144074.3 (MANE Select); coding-DNA position 1221, G replaced by A.
Protein change: p.Gln407=; no amino-acid change (glutamine 407 retained).
Molecular consequence: synonymous variant. On other transcripts: non-coding transcript variant (6).
Genome position (GRCh38, 1-based): chr15:88,527,649, C>T on the plus strand (G>A on the coding strand, the complement: DET1 is on the minus strand). VCF-style: chr15-88527649-C-T. GRCh37 (hg19) VCF-style: chr15-89070880-C-T.
Other names: c.1119G>A, p.Gln373= (NM_001321594.2); c.1221G>A, p.Gln407= (NM_001321596.1); c.1254G>A, p.Gln418= (NM_017996.5).
Identifiers: ClinVar variation 2645667 (VCV002645667.24), dbSNP rs2505344672, ClinGen allele CA492034785.

ClinVar aggregate classification (germline): Likely benign (1 of 4 stars; one submission).

Submission:

CeGaT Center for Human Genetics Tuebingen
Classification: Likely benign. Last evaluated: 2023-02-01. Review status: criteria provided, single submitter. Criteria: CeGaT Center For Human Genetics Tuebingen Variant Classification Criteria Version 2. Collection method: clinical testing. Allele origin: germline. Affected: yes. Observed: 1 variant allele.
Comment: DET1: PM2:Supporting, BP4, BP7